The following is an entry in ClinVar:

NM_030773.4(TUBB1):c.4C>T (p.Arg2Cys)

Gene: TUBB1 (tubulin beta 1 class VI; plus strand). Cytogenetic location: 20q13.32.
Variant type: single nucleotide variant.
Coding change: c.4C>T on transcript NM_030773.4 (MANE Select); coding-DNA position 4, C replaced by T.
Protein change: p.Arg2Cys; replaces arginine 2 with cysteine.
Molecular consequence: missense variant.
Genome position (GRCh38, 1-based): chr20:59,019,526, C>T. VCF-style: chr20-59019526-C-T. GRCh37 (hg19) VCF-style: chr20-57594581-C-T.
Other names: short protein forms R2C.
Identifiers: ClinVar variation 988869 (VCV000988869.2), dbSNP rs754294863, ClinGen allele CA9928316.

ClinVar aggregate classification (germline): Uncertain significance. Review status: criteria provided, single submitter (1 of 4 stars). 2 submissions from 2 submitters: Uncertain significance (1). 1 of the submissions does not count toward it. Last evaluated 2024-09-17.

Conditions:
Abnormal bleeding. Also called: Bleeding diathesis. Identifiers: MedGen C1458140, HP:0001892.
Thrombocytopenia. Identifiers: MedGen C0040034, MeSH D013921, MONDO:0002049, HP:0001873.

Allele frequency attached by ClinVar (database versions not stated): TOPMed below 0.00001; gnomAD 0.00001.
gnomAD v4.1: 19 of 1,613,968 alleles (0.0012%); highest among the groups gnomAD compares: East Asian, 0.0022%; no homozygotes.

Submissions (2):

Women's Health and Genetics/Laboratory Corporation of America, LabCorp
Classification: Uncertain significance. Last evaluated: 2024-09-17. Review status: criteria provided, single submitter. Criteria: LabCorp Variant Classification Summary - May 2015. Collection method: clinical testing. Allele origin: germline.
Comment: Variant summary: TUBB1 c.4C>T (p.Arg2Cys) results in a non-conservative amino acid change in the encoded protein sequence. Five of five in-silico tools predict a damaging effect of the variant on protein function. The variant allele was found at a frequency of 8e-06 in 251432 control chromosomes. The available data on variant occurrences in the general population are insufficient to allow any conclusion about variant significance. c.4C>T has been reported in the literature in at-least one individual affected with bleeding disorder (Almazni_2020). These report(s) do not provide unequivocal conclusions about association of the variant with Autosomal Dominant Macrothrombocytopenia TUBB1-Related. To our knowledge, no experimental evidence demonstrating an impact on protein function has been reported. The following publication has been ascertained in the context of this evaluation (PMID: 32935436). ClinVar contains an entry for this variant (Variation ID: 988869). Based on the evidence outlined above, the variant was classified as uncertain significance.

Birmingham Platelet Group; University of Birmingham
Classification: Uncertain significance for Thrombocytopenia; Abnormal bleeding. Last evaluated: 2020-05-01. Review status: no assertion criteria provided. Collection method: research. Allele origin: germline. Affected: yes. Not counted in ClinVar's aggregate classification.

Literature cited by the submitters: PubMed 32935436 (cited by Women's Health and Genetics/Laboratory Corporation of America, LabCorp).